The following is an entry in ClinVar:

ClinVar aggregate classification (germline): Likely pathogenic (1 of 4 stars; one submission).

Conditions:
Developmental and epileptic encephalopathy 94 (DEE94). Also called: CHD2-Related Neurodevelopmental Disorders; Epileptic encephalopathy, childhood-onset. Identifiers: Orphanet 1942, Orphanet 2382, MedGen C3809278, MONDO:0014150, OMIM 615369.

Submission:

Rady Children's Institute for Genomic Medicine, Rady Children's Hospital San Diego
Classification: Likely pathogenic for EPILEPTIC ENCEPHALOPATHY, CHILDHOOD-ONSET. Review status: criteria provided, single submitter. Criteria: ACMG Guidelines, 2015. Collection method: clinical testing. Allele origin: germline. Affected: yes.
Comment: This variant has not been previously reported or functionally characterized in the literature to our knowledge. The c.2670C>G (p.Asn890Lys) variant is absent from the gnomAD population database and thus is presumed to be rare. The CHD2 gene is highly constrained against variation (Z-score= 5.21 and pLI = 1), which suggests it is intolerant to variation. The c.2670C>G (p.Asn890Lys) variant affects a highly conserved amino acid and is predicted by multiple in silico tools to have a deleterious effect on protein function. Analysis of the parental samples was negative for the variant, indicating this variant likely occurred as a de novo event. Based on the available evidence, the c.2670C>G (p.Asn890Lys) variant is classified as Likely Pathogenic.

NM_001271.4(CHD2):c.2670C>G (p.Asn890Lys)

Gene: CHD2 (chromodomain helicase DNA binding protein 2; plus strand). Cytogenetic location: 15q26.1.
Variant type: single nucleotide variant.
Coding change: c.2670C>G on transcript NM_001271.4 (MANE Select); coding-DNA position 2670, C replaced by G.
Protein change: p.Asn890Lys; replaces asparagine 890 with lysine.
Molecular consequence: missense variant.
Genome position (GRCh38, 1-based): chr15:92,978,326, C>G. VCF-style: chr15-92978326-C-G. GRCh37 (hg19) VCF-style: chr15-93521556-C-G.
Other names: short protein forms N890K.
Identifiers: ClinVar variation 2584492 (VCV002584492.1), dbSNP rs2053935416, ClinGen allele CA393893850.